The following is an entry in ClinVar:

NM_001267550.2(TTN):c.107339G>A (p.Arg35780His)

Genes: TTN-AS1 (TTN antisense RNA 1; plus strand), TTN (titin; minus strand). Cytogenetic location: 2q31.2.
Variant type: single nucleotide variant.
Coding change: c.107339G>A on transcript NM_001267550.2 (MANE Select); coding-DNA position 107339, G replaced by A.
Protein change: p.Arg35780His; replaces arginine 35780 with histidine.
Molecular consequence: missense variant.
Genome position (GRCh38, 1-based): chr2:178,528,312, C>T on the plus strand (G>A on the coding strand, the complement: TTN is on the minus strand). VCF-style: chr2-178528312-C-T. GRCh37 (hg19) VCF-style: chr2-179393039-C-T.
Other names: p.R34139H:CGT>CAT; c.102416G>A, p.Arg34139His (NM_001256850.1); c.80144G>A, p.Arg26715His (NM_003319.4); c.99635G>A, p.Arg33212His (NM_133378.4); c.80519G>A, p.Arg26840His (NM_133432.3); c.80720G>A, p.Arg26907His (NM_133437.4); short protein forms R34139H, R35780H, R26715H, R33212H, R26840H, R26907H.
Identifiers: ClinVar variation 203115 (VCV000203115.7), dbSNP rs770904787, ClinGen allele CA311289.

ClinVar aggregate classification (germline): Conflicting classifications of pathogenicity. Review status: criteria provided, conflicting classifications (1 of 4 stars). 5 submissions from 5 submitters: Uncertain significance (3); Likely benign (2). Last evaluated 2023-02-10.

Conditions:
Autosomal recessive limb-girdle muscular dystrophy type 2J (LGMDR10). Also called: MUSCULAR DYSTROPHY, LIMB-GIRDLE, AUTOSOMAL RECESSIVE 10; Limb-girdle muscular dystrophy, type 2J. Identifiers: Orphanet 140922, MedGen C1837342, MONDO:0012127, OMIM 608807.
Dilated cardiomyopathy 1G (CMD1G). Identifiers: Orphanet 154, MedGen C1858763, MONDO:0011400, OMIM 604145.
Early-onset myopathy with fatal cardiomyopathy (CMYO5). Also called: CONGENITAL MYOPATHY 5 WITH CARDIOMYOPATHY; Salih Myopathy. Identifiers: Orphanet 289377, MedGen C2673677, MONDO:0012714, OMIM 611705. Disease mechanism: loss of function.
Myopathy, myofibrillar, 9, with early respiratory failure (MFM9). Also called: EDSTROM MYOPATHY; Hereditary myopathy with early respiratory failure; MYOPATHY, PROXIMAL, WITH EARLY RESPIRATORY MUSCLE INVOLVEMENT; Myopathy, distal, with early respiratory failure, autosomal dominant. Identifiers: Orphanet 178464, Orphanet 34521, MedGen C1863599, MONDO:0011362, OMIM 603689.
Tibial muscular dystrophy (TMD). Also called: Tibial muscular dystrophy, tardive; Udd Distal Myopathy – Tibial Muscular Dystrophy; UDD MYOPATHY. Identifiers: Orphanet 609, MedGen C1838244, MONDO:0010870, OMIM 600334.
Hypertrophic cardiomyopathy 9. Also called: Familial hypertrophic cardiomyopathy 9. Identifiers: MedGen C1861065, MONDO:0013412, OMIM 613765.
Cardiomyopathy (CMYO). Also called: Cardiomyopathies. Identifiers: Orphanet 167848, MedGen C0878544, MONDO:0004994, HP:0001638. Inheritance: Various modes of inheritance.

Allele frequency attached by ClinVar (database versions not stated): gnomAD exomes 0.00001 and 0.00002; ExAC 0.00002.
gnomAD v4.1: 13 of 1,613,852 alleles (0.00081%); highest among the groups gnomAD compares: East Asian, 0.0045%; no homozygotes.

Submissions (5):

CHEO Genetics Diagnostic Laboratory, Children's Hospital of Eastern Ontario
Classification: Likely benign for Cardiomyopathy. Last evaluated: 2023-02-10. Review status: criteria provided, single submitter. Criteria: ACMG Guidelines, 2015. Collection method: clinical testing. Allele origin: germline.

Blueprint Genetics
Classification: Likely benign. Last evaluated: 2023-01-11. Review status: criteria provided, single submitter. Criteria: ACMG Guidelines, 2015. Collection method: clinical testing. Allele origin: germline.

Fulgent Genetics
Classification: Uncertain significance for Tibial muscular dystrophy; Myopathy, myofibrillar, 9, with early respiratory failure; Dilated cardiomyopathy 1G; Autosomal recessive limb-girdle muscular dystrophy type 2J; Early-onset myopathy with fatal cardiomyopathy; Hypertrophic cardiomyopathy 9. Last evaluated: 2021-07-10. Review status: criteria provided, single submitter. Criteria: ACMG Guidelines, 2015. Collection method: clinical testing. Allele origin: unknown.

Labcorp Genetics (formerly Invitae), Labcorp
Classification: Uncertain significance for Dilated cardiomyopathy 1G; Autosomal recessive limb-girdle muscular dystrophy type 2J. Last evaluated: 2017-11-27. Review status: criteria provided, single submitter. Criteria: Invitae Variant Classification Sherloc (09022015). Collection method: clinical testing. Allele origin: germline.

GeneDx
Classification: Uncertain significance. Last evaluated: 2013-03-11. Review status: criteria provided, single submitter. Criteria: GeneDx Variant Classification (06012015). Collection method: clinical testing. Allele origin: germline. Affected: yes.
Comment: Missense variants in the TTN gene are considered 'unclassified' if they are not previously reported in the literature and do not have >1% frequency in the population to be considered a polymorphism. Research indicates that truncating mutations in the TTN gene are expected to account for approximately 25% of familial and 18% of sporadic idiopathic DCM; however, truncating variants in the TTN gene have been reported in approximately 3% of reported control alleles. There has been little investigation into non-truncating variants. (Herman D et al. Truncations of titin causing dilated cardiomyopathy. N Eng J Med 366:619-628, 2012) The variant is found in DCM panel(s).